The following is an entry in ClinVar:

ClinVar aggregate classification (germline): Uncertain significance (1 of 4 stars; one submission).

Conditions:
Severe combined immunodeficiency due to DNA-PKcs deficiency. Also called: IMMUNODEFICIENCY 26 WITH NEUROLOGIC ABNORMALITIES; Immunodeficiency 26 with or without neurologic abnormalities. Identifiers: Orphanet 317425, MedGen C4014833, MONDO:0014423, OMIM 615966.

Allele frequency attached by ClinVar (database versions not stated): gnomAD 0.00001; gnomAD exomes 0.00001; ExAC 0.00002.
gnomAD v4.1: 10 of 1,613,574 alleles (0.00062%); highest among the groups gnomAD compares: South Asian, 0.0044%; no homozygotes.

Submission:

Labcorp Genetics (formerly Invitae), Labcorp
Classification: Uncertain significance for Severe combined immunodeficiency due to DNA-PKcs deficiency. Last evaluated: 2024-02-24. Review status: criteria provided, single submitter. Criteria: Invitae Variant Classification Sherloc (09022015). Collection method: clinical testing. Allele origin: germline.
Comment: This sequence change replaces leucine, which is neutral and non-polar, with valine, which is neutral and non-polar, at codon 1543 of the PRKDC protein (p.Leu1543Val). This variant is present in population databases (rs768076817, gnomAD 0.003%). This variant has not been reported in the literature in individuals affected with PRKDC-related conditions. ClinVar contains an entry for this variant (Variation ID: 2155644). Advanced modeling of protein sequence and biophysical properties (such as structural, functional, and spatial information, amino acid conservation, physicochemical variation, residue mobility, and thermodynamic stability) performed at Invitae indicates that this missense variant is not expected to disrupt PRKDC protein function with a negative predictive value of 80%. In summary, the available evidence is currently insufficient to determine the role of this variant in disease. Therefore, it has been classified as a Variant of Uncertain Significance.

NM_006904.7(PRKDC):c.4627T>G (p.Leu1543Val)

Gene: PRKDC (protein kinase, DNA-activated, catalytic subunit; minus strand). Cytogenetic location: 8q11.21.
Variant type: single nucleotide variant.
Coding change: c.4627T>G on transcript NM_006904.7 (MANE Select); coding-DNA position 4627, T replaced by G.
Protein change: p.Leu1543Val; replaces leucine 1543 with valine.
Molecular consequence: missense variant.
Genome position (GRCh38, 1-based): chr8:47,886,093, A>C on the plus strand (T>G on the coding strand, the complement: PRKDC is on the minus strand). VCF-style: chr8-47886093-A-C. GRCh37 (hg19) VCF-style: chr8-48798654-A-C.
Other names: c.4627T>G, p.Leu1543Val (NM_001081640.2); short protein forms L1543V.
Identifiers: ClinVar variation 2155644 (VCV002155644.3), dbSNP rs768076817, ClinGen allele CA4740840.